The following is an entry in ClinVar:

ClinVar aggregate classification (germline): Uncertain significance (1 of 4 stars; one submission).

Conditions:
Charcot-Marie-Tooth disease type 4. Also called: Charcot-Marie-Tooth, Type 4; Charcot-Marie-Tooth disease, type IV. Identifiers: Orphanet 64749, MedGen C4082197, MONDO:0018995.

Submission:

Labcorp Genetics (formerly Invitae), Labcorp
Classification: Uncertain significance for Charcot-Marie-Tooth disease type 4. Last evaluated: 2021-12-12. Review status: criteria provided, single submitter. Criteria: Invitae Variant Classification Sherloc (09022015). Collection method: clinical testing. Allele origin: germline.
Comment: This sequence change replaces tyrosine, which is neutral and polar, with histidine, which is basic and polar, at codon 443 of the FGD4 protein (p.Tyr443His). This variant is not present in population databases (gnomAD no frequency). This variant has not been reported in the literature in individuals affected with FGD4-related conditions. Algorithms developed to predict the effect of missense changes on protein structure and function (SIFT, PolyPhen-2, Align-GVGD) all suggest that this variant is likely to be tolerated. In summary, the available evidence is currently insufficient to determine the role of this variant in disease. Therefore, it has been classified as a Variant of Uncertain Significance. ClinVar contains an entry for this variant (Variation ID: 543336).

NM_001370298.3(FGD4):c.1738T>C (p.Tyr580His)

Gene: FGD4 (FYVE, RhoGEF and PH domain containing 4; plus strand). Cytogenetic location: 12p11.21.
Variant type: single nucleotide variant.
Coding change: c.1738T>C on transcript NM_001370298.3 (MANE Select); coding-DNA position 1738, T replaced by C.
Protein change: p.Tyr580His; replaces tyrosine 580 with histidine.
Molecular consequence: missense variant.
Genome position (GRCh38, 1-based): chr12:32,611,272, T>C. VCF-style: chr12-32611272-T-C. GRCh37 (hg19) VCF-style: chr12-32764206-T-C.
Other names: c.1582T>C, p.Tyr528His (NM_001304481.2); c.583T>C, p.Tyr195His (NM_001304483.2); c.295T>C, p.Tyr99His (NM_001304484.2); c.1048T>C, p.Tyr350His (NM_001330373.2, NM_001330374.2, NM_001384130.1); c.775T>C, p.Tyr259His (NM_001370297.1); c.1738T>C, p.Tyr580His (NM_001384126.1); c.1327T>C, p.Tyr443His (NM_001384127.1, NM_001384128.1, NM_001385118.1 and 1 more transcripts); short protein forms Y443H, Y528H, Y259H, Y99H, Y195H, Y350H, Y580H.
Identifiers: ClinVar variation 543336 (VCV000543336.8), dbSNP rs1555217941, ClinGen allele CA384361249.